The following is an entry in ClinVar:

ClinVar aggregate classification (germline): Uncertain significance (1 of 4 stars; one submission).

Submission:

GeneDx
Classification: Uncertain significance. Last evaluated: 2024-04-14. Review status: criteria provided, single submitter. Criteria: GeneDx Variant Classification Process June 2021. Collection method: clinical testing. Allele origin: germline. Affected: yes.
Comment: Not observed at significant frequency in large population cohorts (gnomAD); In silico analysis supports that this missense variant has a deleterious effect on protein structure/function; Has not been previously published as pathogenic or benign to our knowledge

NM_001083962.2(TCF4):c.1778G>T (p.Arg593Leu)

Gene: TCF4 (transcription factor 4; minus strand). Cytogenetic location: 18q21.2.
Variant type: single nucleotide variant.
Coding change: c.1778G>T on transcript NM_001083962.2 (MANE Select); coding-DNA position 1778, G replaced by T.
Protein change: p.Arg593Leu; replaces arginine 593 with leucine.
Molecular consequence: missense variant.
Genome position (GRCh38, 1-based): chr18:55,228,948, C>A on the plus strand (G>T on the coding strand, the complement: TCF4 is on the minus strand). VCF-style: chr18-55228948-C-A. GRCh37 (hg19) VCF-style: chr18-52896179-C-A.
Other names: c.2084G>T, p.Arg695Leu (NM_001243226.3); c.1706G>T, p.Arg569Leu (NM_001243227.2, NM_001348217.1, NM_001348218.2 and 1 more transcripts); c.1796G>T, p.Arg599Leu (NM_001243228.2); c.1757G>T, p.Arg586Leu (NM_001243230.2); c.1640G>T, p.Arg547Leu (NM_001243231.2); c.1565G>T, p.Arg522Leu (NM_001243232.1); c.1376G>T, p.Arg459Leu (NM_001243233.2, NM_001348212.2); c.1298G>T, p.Arg433Leu (NM_001243234.2, NM_001348216.2); and 14 more; short protein forms R377L, R428L, R429L, R433L, R459L, R463L, R518L, R522L.
Identifiers: ClinVar variation 3372329 (VCV003372329.1).